The following is an entry in ClinVar:

ClinVar aggregate classification (germline): Uncertain significance. Review status: criteria provided, single submitter (1 of 4 stars). 3 submissions from 3 submitters: Uncertain significance (1). 2 of the submissions do not count toward it. Last evaluated 2016-11-01.

Conditions:
Skeletal dysplaisia with extra-skeletal manifestations.
TONSL-related disorder. Also called: TONSL-related condition.
Sponastrime dysplasia. Also called: SPONDYLAR AND NASAL ALTERATIONS WITH STRIATED METAPHYSES. Identifiers: Orphanet 93357, MedGen C1300260, MONDO:0010068, OMIM 271510.

gnomAD v4.1: 1 of 1,612,718 alleles (0.000062%); highest among the groups gnomAD compares: Middle Eastern, 0.017%; no homozygotes.

Submissions (3):

Undiagnosed Diseases Network, NIH
Classification: Uncertain significance for TONSL-related condition. Last evaluated: 2016-11-01. Review status: criteria provided, single submitter. Criteria: ACMG Guidelines, 2015. Collection method: clinical testing. Allele origin: maternal. Inheritance: Autosomal recessive inheritance. Affected: yes. Observed: 2 variant alleles, 2 compound heterozygotes. Clinical features observed: Vitamin D deficiency (HP:0100512), Short philtrum (HP:0000322), Recurrent infections (HP:0002719), Pes planus (HP:0001763), Mild short stature (HP:0003502), High palate (HP:0000218), Fragile nails (HP:0001808), Delayed eruption of teeth (HP:0000684), Deep-set nails (HP:0001814), IgM deficiency (HP:0002850), IgG deficiency (HP:0004315), IgA deficiency (HP:0002720), and 3 more. Study: Undiagnosed Diseases Network (NIH), UDN.

OMIM
Classification: Pathogenic for SPONDYLOEPIMETAPHYSEAL DYSPLASIA, SPONASTRIME TYPE. Last evaluated: 2019-07-24. Review status: no assertion criteria provided. Collection method: literature only. Allele origin: germline. Not counted in ClinVar's aggregate classification.

University of Washington Center for Mendelian Genomics, University of Washington
Classification: Likely pathogenic for Skeletal dysplaisia with extra-skeletal manifestations. Review status: no assertion criteria provided. Collection method: research. Allele origin: inherited. Affected: yes. Not counted in ClinVar's aggregate classification.

Literature cited by the submitters: PubMed 30773277 (cited by 3 submitters).

NM_013432.5(TONSL):c.866-1G>C

Gene: TONSL (tonsoku like, DNA repair protein; minus strand). Cytogenetic location: 8q24.3.
Variant type: single nucleotide variant.
Coding change: c.866-1G>C on transcript NM_013432.5 (MANE Select); the canonical splice acceptor site of the intron before coding-DNA position 866, G replaced by C.
Molecular consequence: splice acceptor variant.
Genome position (GRCh38, 1-based): chr8:144,441,112, C>G on the plus strand (G>C on the coding strand, the complement: TONSL is on the minus strand). VCF-style: chr8-144441112-C-G. GRCh37 (hg19) VCF-style: chr8-145666495-C-G.
Other names: IVS7, G-C, -1.
Identifiers: ClinVar variation 638066 (VCV000638066.5), dbSNP rs1424148372, ClinGen allele CA372674420.